The following is an entry in ClinVar:

ClinVar aggregate classification (germline): Conflicting classifications of pathogenicity. Review status: criteria provided, conflicting classifications (1 of 4 stars). 4 submissions from 4 submitters: Pathogenic (1); Uncertain significance (2). 1 of the submissions does not count toward it. Last evaluated 2025-02-07.

Conditions:
Seizures, benign familial infantile, 3 (BFIS3). Also called: CONVULSIONS, BENIGN FAMILIAL INFANTILE, 3; Familial neonatal seizures. Identifiers: Orphanet 140927, Orphanet 306, MedGen C1843140, MONDO:0011904, OMIM 607745.
Developmental and epileptic encephalopathy, 11 (DEE11). Also called: Early infantile epileptic encephalopathy 11. Identifiers: Orphanet 1934, MedGen C3150987, MONDO:0013388, OMIM 613721.
Seizure. Also called: Seizures. Identifiers: MedGen C0036572, HP:0001250.

Submissions (4):

Labcorp Genetics (formerly Invitae), Labcorp
Classification: Uncertain significance for Seizures, benign familial infantile, 3; Developmental and epileptic encephalopathy, 11. Last evaluated: 2025-02-07. Review status: criteria provided, single submitter. Criteria: Invitae Variant Classification Sherloc (09022015). Collection method: clinical testing. Allele origin: germline.
Comment: This sequence change replaces threonine, which is neutral and polar, with isoleucine, which is neutral and non-polar, at codon 885 of the SCN2A protein (p.Thr885Ile). This variant is not present in population databases (gnomAD no frequency). This missense change has been observed in individual(s) with clinical features of SCN2A-related conditions (PMID: 33057194). ClinVar contains an entry for this variant (Variation ID: 1015785). Invitae Evidence Modeling of protein sequence and biophysical properties (such as structural, functional, and spatial information, amino acid conservation, physicochemical variation, residue mobility, and thermodynamic stability) indicates that this missense variant is expected to disrupt SCN2A protein function with a positive predictive value of 95%. In summary, the available evidence is currently insufficient to determine the role of this variant in disease. Therefore, it has been classified as a Variant of Uncertain Significance.

Revvity Omics, Revvity
Classification: Uncertain significance. Last evaluated: 2024-03-15. Review status: criteria provided, single submitter. Criteria: ACMG Guidelines, 2015. Collection method: clinical testing. Allele origin: germline.

GeneDx
Classification: Pathogenic. Last evaluated: 2022-08-02. Review status: criteria provided, single submitter. Criteria: GeneDx Variant Classification Process June 2021. Collection method: clinical testing. Allele origin: germline. Affected: yes.
Comment: Not observed at significant frequency in large population cohorts (gnomAD); Missense variants in this gene are often considered pathogenic (HGMD); In silico analysis supports that this missense variant has a deleterious effect on protein structure/function; This substitution is predicted to be within the transmembrane segment S5 of the second homologous domain; This variant is associated with the following publications: (PMID: 31785789)

Diagnostic Laboratory, Strasbourg University Hospital
Classification: Likely pathogenic for Seizure. Review status: no assertion criteria provided. Collection method: clinical testing. Allele origin: de novo. Affected: yes. Observed: 1 heterozygote. Not counted in ClinVar's aggregate classification.

Literature cited by the submitters: PubMed 33057194 (cited by Labcorp Genetics (formerly Invitae), Labcorp).

NM_001040142.2(SCN2A):c.2654C>T (p.Thr885Ile)

Gene: SCN2A (sodium voltage-gated channel alpha subunit 2; plus strand). Cytogenetic location: 2q24.3.
Variant type: single nucleotide variant.
Coding change: c.2654C>T on transcript NM_001040142.2 (MANE Select); coding-DNA position 2654, C replaced by T.
Protein change: p.Thr885Ile; replaces threonine 885 with isoleucine.
Molecular consequence: missense variant.
Genome position (GRCh38, 1-based): chr2:165,344,646, C>T. VCF-style: chr2-165344646-C-T. GRCh37 (hg19) VCF-style: chr2-166201156-C-T.
Other names: c.2654C>T, p.Thr885Ile (NM_001040143.2, NM_001371246.1, NM_001371247.1 and 1 more transcripts); c.2654C>T (NM_021007.2); short protein forms T885I.
Identifiers: ClinVar variation 1015785 (VCV001015785.16), dbSNP rs1699477928, ClinGen allele CA349014196.